The following is an entry in ClinVar:

ClinVar aggregate classification (germline): Likely benign. Review status: reviewed by expert panel (3 of 4 stars). 2 submissions from 2 submitters: Likely benign (1). 1 of the submissions does not count toward it. Last evaluated 2024-09-10.

Conditions:
Hereditary thrombocytopenia and hematologic cancer predisposition syndrome. Identifiers: Orphanet 71290, MedGen CN281654, MONDO:0011071.
Hereditary thrombocytopenia and hematological cancer predisposition syndrome associated with RUNX1. Also called: RUNX1 Familial Platelet Disorder with Associated Myeloid Malignancies; Familial Platelet Disorder with Propensity to Acute Myelogenous Leukemia; Familial thrombocytopenia with propensity to acute myelogenous leukemia; PLATELET DISORDER, ASPIRIN-LIKE. Identifiers: Orphanet 71290, MedGen C1832388, MeSH C563324, MONDO:0100083, OMIM 601399.

Submissions (2):

ClinGen Myeloid Malignancy Variant Curation Expert Panel
Classification: Likely benign for Hereditary thrombocytopenia and hematologic cancer predisposition syndrome. Last evaluated: 2024-09-10. Review status: reviewed by expert panel. Criteria: ClinGen MyeloMalig ACMG Specifications v2. Collection method: curation. Allele origin: germline. Inheritance: Autosomal dominant inheritance.
Comment: NM_001754.5(RUNX1):c.1083C>T (p.Thr361=) is a synonymous variant which has a SpliceAI score ≤ 0.20 (0.0) (BP4). This variant has a SpliceAI score ≤ 0.20 (0.0) and evolutionary conservation algorithms predict the site as not being conserved (PhyloP score ≤ 2.0 (0.87)) (BP7). This variant is completely absent from all population databases with at least 20x coverage for RUNX1 (PM2_Supporting). In summary, this variant meets criteria to be classified as likely benign. ACMG/AMP criteria applied, as specified by the Myeloid Malignancy Variant Curation Expert Panel for RUNX1: BP4, BP7, PM2_supporting.

Labcorp Genetics (formerly Invitae), Labcorp
Classification: Likely benign for Hereditary thrombocytopenia and hematological cancer predisposition syndrome associated with RUNX1. Last evaluated: 2021-08-30. Review status: criteria provided, single submitter. Criteria: Invitae Variant Classification Sherloc (09022015). Collection method: clinical testing. Allele origin: germline. Not counted in ClinVar's aggregate classification.

NM_001754.5(RUNX1):c.1083C>T (p.Thr361=)

Gene: RUNX1 (RUNX family transcription factor 1; minus strand). Cytogenetic location: 21q22.12.
Variant type: single nucleotide variant.
Coding change: c.1083C>T on transcript NM_001754.5 (MANE Select); coding-DNA position 1083, C replaced by T.
Protein change: p.Thr361=; no amino-acid change (threonine 361 retained).
Molecular consequence: synonymous variant.
Genome position (GRCh38, 1-based): chr21:34,792,495, G>A on the plus strand (C>T on the coding strand, the complement: RUNX1 is on the minus strand). VCF-style: chr21-34792495-G-A. GRCh37 (hg19) VCF-style: chr21-36164792-G-A.
Other names: NM_001754.5(RUNX1):c.1083C>T; p.Thr361=; c.1002C>T, p.Thr334= (NM_001001890.3).
Identifiers: ClinVar variation 1601868 (VCV001601868.9), dbSNP rs1177939138, ClinGen allele CA512341319.